The following is an entry in ClinVar:

ClinVar aggregate classification (germline): Uncertain significance (1 of 4 stars; one submission).

Conditions:
Intellectual disability, autosomal recessive 53 (NEDHSCA). Also called: GLYCOSYLPHOSPHATIDYLINOSITOL BIOSYNTHESIS DEFECT 13; Mental retardation, autosomal recessive 53; NEURODEVELOPMENTAL DISORDER WITH OR WITHOUT HYPOTONIA, SEIZURES, AND CEREBELLAR ATROPHY. Identifiers: Orphanet 488635, MedGen C4310794, MONDO:0014832, OMIM 616917.

Allele frequency attached by ClinVar (database versions not stated): ExAC 0.00002; gnomAD exomes 0.00004; TOPMed 0.00004; gnomAD 0.00005 and 0.00006.
gnomAD v4.1: 44 of 1,612,420 alleles (0.0027%); highest among the groups gnomAD compares: Middle Eastern, 0.016%; no homozygotes.

Submission:

Labcorp Genetics (formerly Invitae), Labcorp
Classification: Uncertain significance for Intellectual disability, autosomal recessive 53. Last evaluated: 2024-05-29. Review status: criteria provided, single submitter. Criteria: Invitae Variant Classification Sherloc (09022015). Collection method: clinical testing. Allele origin: germline.
Comment: This sequence change replaces threonine, which is neutral and polar, with methionine, which is neutral and non-polar, at codon 973 of the PIGG protein (p.Thr973Met). This variant is present in population databases (rs764734046, gnomAD 0.007%). This variant has not been reported in the literature in individuals affected with PIGG-related conditions. ClinVar contains an entry for this variant (Variation ID: 642613). An algorithm developed to predict the effect of missense changes on protein structure and function (PolyPhen-2) suggests that this variant¬†is likely to be tolerated. In summary, the available evidence is currently insufficient to determine the role of this variant in disease. Therefore, it has been classified as a Variant of Uncertain Significance.

NM_001127178.3(PIGG):c.2918C>T (p.Thr973Met)

Gene: PIGG (phosphatidylinositol glycan anchor biosynthesis class G (EMM blood group); plus strand). Cytogenetic location: 4p16.3.
Variant type: single nucleotide variant.
Coding change: c.2918C>T on transcript NM_001127178.3 (MANE Select); coding-DNA position 2918, C replaced by T.
Protein change: p.Thr973Met; replaces threonine 973 with methionine.
Molecular consequence: missense variant. On other transcripts: non-coding transcript variant (10).
Genome position (GRCh38, 1-based): chr4:539,335, C>T. VCF-style: chr4-539335-C-T. GRCh37 (hg19) VCF-style: chr4-533124-C-T.
Other names: c.2651C>T, p.Thr884Met (NM_001289051.2, NM_001345986.2); c.2519C>T, p.Thr840Met (NM_001289052.2); c.2627C>T, p.Thr876Met (NM_001345987.2); c.1889C>T, p.Thr630Met (NM_001345988.2); c.1385C>T, p.Thr462Met (NM_001345990.2, NM_001345991.2); c.1820C>T, p.Thr607Met (NM_001345994.2); c.2894C>T, p.Thr965Met (NM_017733.5); short protein forms T462M, T607M, T630M, T840M, T965M, T973M, T876M, T884M.
Identifiers: ClinVar variation 642613 (VCV000642613.10), dbSNP rs764734046, ClinGen allele CA2793785.